The following is an entry in ClinVar:

ClinVar aggregate classification (germline): Uncertain significance (1 of 4 stars; one submission).

Submission:

Ambry Genetics
Classification: Uncertain significance. Last evaluated: 2022-05-14. Review status: criteria provided, single submitter. Criteria: Ambry Variant Classification Scheme 2023. Collection method: clinical testing. Allele origin: germline.
Comment: The p.V568D variant (also known as c.1703T>A), located in coding exon 16 of the RAD54L gene, results from a T to A substitution at nucleotide position 1703. The valine at codon 568 is replaced by aspartic acid, an amino acid with highly dissimilar properties. This amino acid position is conserved. In addition, this alteration is predicted to be deleterious by in silico analysis. Since supporting evidence is limited at this time, the clinical significance of this alteration remains unclear.

NM_003579.4(RAD54L):c.1703T>A (p.Val568Asp)

Gene: RAD54L (RAD54 like; plus strand). Cytogenetic location: 1p34.1.
Variant type: single nucleotide variant.
Coding change: c.1703T>A on transcript NM_003579.4 (MANE Select); coding-DNA position 1703, T replaced by A.
Protein change: p.Val568Asp; replaces valine 568 with aspartic acid.
Molecular consequence: missense variant.
Genome position (GRCh38, 1-based): chr1:46,274,551, T>A. VCF-style: chr1-46274551-T-A. GRCh37 (hg19) VCF-style: chr1-46740223-T-A.
Other names: c.1703T>A, p.Val568Asp (NM_001142548.2); c.1163T>A, p.Val388Asp (NM_001370766.1); short protein forms V568D, V388D.
Identifiers: ClinVar variation 1778399 (VCV001778399.2), dbSNP rs1660538232, ClinGen allele CA340184087.
Genomic context (GRCh38, chr1:46,274,551, plus strand): 5'-GTTTAGGCTATAAGAGGTTCCTTTTCTCCTGTTTCTTCTCTTTCCAGAGCCCTGACTTTG[T>A]CTTCATGCTGAGCAGCAAAGCTGGGGGCTGTGGCCTCAATCTCATTGGGGCTAACCGGCT-3'
Protein context (NP_003570.2, residues 558-578): RFNSPSSPDF[Val568Asp]FMLSSKAGGC